The following is an entry in ClinVar:

ClinVar aggregate classification (germline): Uncertain significance (1 of 4 stars; one submission).

Conditions:
Congenital muscular dystrophy due to integrin alpha-7 deficiency. Also called: MYOPATHY, CONGENITAL, DUE TO INTEGRIN ALPHA-7 DEFICIENCY; Congenital muscular dystrophy with integrin alpha-7 deficiency; Muscular dystrophy, congenital, due to ITGA7 deficiency. Identifiers: Orphanet 34520, MedGen C2750786, MONDO:0013177, OMIM 613204.

Allele frequency attached by ClinVar (database versions not stated): ExAC 0.00001; gnomAD exomes 0.00002; TOPMed 0.00002; gnomAD 0.00004; ESP Exome Variant Server 0.00008.
gnomAD v4.1: 38 of 1,613,966 alleles (0.0024%); highest among the groups gnomAD compares: Non-Finnish European, 0.0026%; 1 homozygote.

Submission:

Labcorp Genetics (formerly Invitae), Labcorp
Classification: Uncertain significance for Congenital muscular dystrophy due to integrin alpha-7 deficiency. Last evaluated: 2024-10-18. Review status: criteria provided, single submitter. Criteria: Invitae Variant Classification Sherloc (09022015). Collection method: clinical testing. Allele origin: germline.
Comment: This sequence change replaces aspartic acid, which is acidic and polar, with asparagine, which is neutral and polar, at codon 706 of the ITGA7 protein (p.Asp706Asn). This variant is present in population databases (rs145287267, gnomAD 0.01%). This variant has not been reported in the literature in individuals affected with ITGA7-related conditions. ClinVar contains an entry for this variant (Variation ID: 1929915). Invitae Evidence Modeling of protein sequence and biophysical properties (such as structural, functional, and spatial information, amino acid conservation, physicochemical variation, residue mobility, and thermodynamic stability) indicates that this missense variant is not expected to disrupt ITGA7 protein function with a negative predictive value of 80%. In summary, the available evidence is currently insufficient to determine the role of this variant in disease. Therefore, it has been classified as a Variant of Uncertain Significance.

NM_002206.3(ITGA7):c.2116G>A (p.Asp706Asn)

Genes: ITGA7 (integrin subunit alpha 7; minus strand), LOC126861535 (CDK7 strongly-dependent group 2 enhancer GRCh37_chr12:56087579-56088778; plus strand). Cytogenetic location: 12q13.2.
Variant type: single nucleotide variant.
Coding change: c.2116G>A on transcript NM_002206.3 (MANE Select); coding-DNA position 2116, G replaced by A.
Protein change: p.Asp706Asn; replaces aspartic acid 706 with asparagine.
Molecular consequence: missense variant.
Genome position (GRCh38, 1-based): chr12:55,694,858, C>T on the plus strand (G>A on the coding strand, the complement: ITGA7 is on the minus strand). VCF-style: chr12-55694858-C-T. GRCh37 (hg19) VCF-style: chr12-56088642-C-T.
Other names: c.2128G>A, p.Asp710Asn (NM_001144996.2); c.1837G>A, p.Asp613Asn (NM_001144997.2); c.1789G>A, p.Asp597Asn (NM_001367993.1); c.772G>A, p.Asp258Asn (NM_001367994.1); c.2098G>A, p.Asp700Asn (NM_001374465.1); c.2248G>A, p.Asp750Asn (NM_001410977.1); c.2110G>A, p.Asp704Asn (NM_001414029.1); c.2041G>A, p.Asp681Asn (NM_001414030.1); and 4 more; short protein forms D677N, D681N, D706N, D710N, D750N, D597N, D613N, D645N.
Identifiers: ClinVar variation 1929915 (VCV001929915.4), dbSNP rs145287267, ClinGen allele CA6615735.